The following is an entry in ClinVar:

ClinVar aggregate classification (germline): Pathogenic/Likely pathogenic. Review status: criteria provided, multiple submitters, no conflicts (2 of 4 stars). 2 submissions from 2 submitters: Pathogenic (1); Likely pathogenic (1). Last evaluated 2025-05-23.

Conditions:
Autosomal recessive congenital ichthyosis 1 (LI1). Also called: COLLODION FETUS; DESQUAMATION OF NEWBORN; ICHTHYOSIS CONGENITA; ICHTHYOSIS CONGENITA II; LAMELLAR EXFOLIATION OF NEWBORN; ICHTHYOSIS, CONGENITAL, AUTOSOMAL RECESSIVE 1, WITH BATHING SUIT DISTRIBUTION. Identifiers: MedGen C4551630, MONDO:0009441, OMIM 242300.

Submissions (2):

3billion
Classification: Likely pathogenic for Autosomal recessive congenital ichthyosis 1. Last evaluated: 2025-05-23. Review status: criteria provided, single submitter. Criteria: ACMG Guidelines, 2015. Collection method: clinical testing. Allele origin: germline. Affected: yes.
Comment: The variant is not observed in the gnomAD v4.1.0 dataset. Predicted Consequence/Location: Missense variant In silico tool predictions suggest damaging effect of the variant on gene or gene product [REVEL: 0.97 (>=0.6, sensitivity 0.68 and specificity 0.92); 3Cnet: 0.99 (> 0.75, sensitivity 0.96 and precision 0.92)]. The same nucleotide change resulting in the same amino acid change has been previously reported to be associated with TGM1-related disorder (ClinVar ID: VCV002768402). Different missense changes at the same codon (p.Gly473Cys, p.Gly473Ser) have been reported as pathogenic/likely pathogenic with strong evidence (ClinVar ID: VCV000372536 /PMID: 35412663, 9261103). Therefore, this variant is classified as Likely pathogenic according to the recommendation of ACMG/AMP guideline.

Labcorp Genetics (formerly Invitae), Labcorp
Classification: Pathogenic. Last evaluated: 2023-12-19. Review status: criteria provided, single submitter. Criteria: Invitae Variant Classification Sherloc (09022015). Collection method: clinical testing. Allele origin: germline.
Comment: This sequence change replaces glycine, which is neutral and non-polar, with arginine, which is basic and polar, at codon 473 of the TGM1 protein (p.Gly473Arg). This variant is not present in population databases (gnomAD no frequency). This missense change has been observed in individual(s) with clinical features of TGM1-related conditions (Invitae). In at least one individual the data is consistent with being in trans (on the opposite chromosome) from a pathogenic variant. Advanced modeling of protein sequence and biophysical properties (such as structural, functional, and spatial information, amino acid conservation, physicochemical variation, residue mobility, and thermodynamic stability) performed at Invitae indicates that this missense variant is expected to disrupt TGM1 protein function with a positive predictive value of 95%. This variant disrupts the p.Gly473 amino acid residue in TGM1. Other variant(s) that disrupt this residue have been determined to be pathogenic (PMID: 9261103, 23096117). This suggests that this residue is clinically significant, and that variants that disrupt this residue are likely to be disease-causing. For these reasons, this variant has been classified as Pathogenic.

Literature cited by the submitters: PubMed 35412663 (cited by 3billion); PubMed 9261103 (cited by Labcorp Genetics (formerly Invitae), Labcorp); PubMed 23096117 (cited by Labcorp Genetics (formerly Invitae), Labcorp).

NM_000359.3(TGM1):c.1417G>C (p.Gly473Arg)

Gene: TGM1 (transglutaminase 1; minus strand). Cytogenetic location: 14q12.
Variant type: single nucleotide variant.
Coding change: c.1417G>C on transcript NM_000359.3 (MANE Select); coding-DNA position 1417, G replaced by C.
Protein change: p.Gly473Arg; replaces glycine 473 with arginine.
Molecular consequence: missense variant.
Genome position (GRCh38, 1-based): chr14:24,256,063, C>G on the plus strand (G>C on the coding strand, the complement: TGM1 is on the minus strand). VCF-style: chr14-24256063-C-G. GRCh37 (hg19) VCF-style: chr14-24725269-C-G.
Other names: short protein forms G473R.
Identifiers: ClinVar variation 2768402 (VCV002768402.4), dbSNP rs904122716, ClinGen allele CA389256905.
Genomic context (GRCh38, chr14:24,256,063, plus strand): 5'-AAGGCGTGTCGTACTTCATGTAGACCAGGCCATTCTTGATGGACTCCACAGAGCAGGGGC[C>G]GCAGCAGAAGATGCCTAGAGAGTGAGGCGGGACAGAGGCAAGAGATCTGAGAAGGCGGAG-3'
Protein context (NP_000350.1, residues 463-483): QETSSGIFCC[Gly473Arg]PCSVESIKNG